The following is an entry in ClinVar:

ClinVar aggregate classification (germline): Uncertain significance (1 of 4 stars; one submission).

Conditions:
Acyl-CoA oxidase deficiency. Also called: STRAIGHT-CHAIN ACYL-CoA OXIDASE DEFICIENCY; Pseudoneonatal adrenoleukodystrophy; Peroxisomal acyl-CoA oxidase deficiency. Identifiers: Orphanet 2971, MedGen C1849678, MONDO:0009919, OMIM 264470. Disease mechanism: loss of function.

Submission:

Labcorp Genetics (formerly Invitae), Labcorp
Classification: Uncertain significance for Acyl-CoA oxidase deficiency. Last evaluated: 2024-12-02. Review status: criteria provided, single submitter. Criteria: Invitae Variant Classification Sherloc (09022015). Collection method: clinical testing. Allele origin: germline.
Comment: This sequence change replaces arginine, which is basic and polar, with cysteine, which is neutral and slightly polar, at codon 56 of the ACOX1 protein (p.Arg56Cys). This variant is not present in population databases (gnomAD no frequency). This variant has not been reported in the literature in individuals affected with ACOX1-related conditions. ClinVar contains an entry for this variant (Variation ID: 2910955). Invitae Evidence Modeling of protein sequence and biophysical properties (such as structural, functional, and spatial information, amino acid conservation, physicochemical variation, residue mobility, and thermodynamic stability) indicates that this missense variant is expected to disrupt ACOX1 protein function with a positive predictive value of 80%. In summary, the available evidence is currently insufficient to determine the role of this variant in disease. Therefore, it has been classified as a Variant of Uncertain Significance.

NM_004035.7(ACOX1):c.166C>T (p.Arg56Cys)

Gene: ACOX1 (acyl-CoA oxidase 1; minus strand). Cytogenetic location: 17q25.1.
Variant type: single nucleotide variant.
Coding change: c.166C>T on transcript NM_004035.7 (MANE Select); coding-DNA position 166, C replaced by T.
Protein change: p.Arg56Cys; replaces arginine 56 with cysteine.
Molecular consequence: missense variant.
Genome position (GRCh38, 1-based): chr17:75,978,637, G>A on the plus strand (C>T on the coding strand, the complement: ACOX1 is on the minus strand). VCF-style: chr17-75978637-G-A. GRCh37 (hg19) VCF-style: chr17-73974718-G-A.
Other names: c.52C>T, p.Arg18Cys (NM_001185039.2); c.166C>T, p.Arg56Cys (NM_007292.6); short protein forms R18C, R56C.
Identifiers: ClinVar variation 2910955 (VCV002910955.3), dbSNP rs2546098001, ClinGen allele CA401083257.